The following is an entry in ClinVar:

ClinVar aggregate classification (germline): Uncertain significance (1 of 4 stars; one submission).

Conditions:
Multiple congenital exostosis (EXT). Also called: Hereditary multiple osteochondromas; MULTIPLE CARTILAGINOUS EXOSTOSES; Hereditary multiple exostoses; Hereditary multiple exostosis; Multiple osteochondromas; Multiple exostoses. Identifiers: Orphanet 321, MedGen C0015306, MONDO:0005508, HP:0002762.

Allele frequency attached by ClinVar (database versions not stated): TOPMed below 0.00001.

Submission:

Labcorp Genetics (formerly Invitae), Labcorp
Classification: Uncertain significance for Multiple congenital exostosis. Last evaluated: 2021-08-12. Review status: criteria provided, single submitter. Criteria: Invitae Variant Classification Sherloc (09022015). Collection method: clinical testing. Allele origin: germline.
Comment: This sequence change replaces glycine with glutamic acid at codon 343 of the EXT1 protein (p.Gly343Glu). The glycine residue is highly conserved and there is a moderate physicochemical difference between glycine and glutamic acid. This variant is not present in population databases (ExAC no frequency). This variant has not been reported in the literature in individuals affected with EXT1-related conditions. Advanced modeling of protein sequence and biophysical properties (such as structural, functional, and spatial information, amino acid conservation, physicochemical variation, residue mobility, and thermodynamic stability) performed at Invitae indicates that this missense variant is expected to disrupt EXT1 protein function. This variant disrupts the p.Gly343 amino acid residue in EXT1. Other variant(s) that disrupt this residue have been determined to be pathogenic (PMID: 19810120; Invitae). This suggests that this residue is clinically significant, and that variants that disrupt this residue are likely to be disease-causing. In summary, the available evidence is currently insufficient to determine the role of this variant in disease. Therefore, it has been classified as a Variant of Uncertain Significance.

Literature cited by the submitters: PubMed 19810120.

NM_000127.3(EXT1):c.1028G>A (p.Gly343Glu)

Gene: EXT1 (exostosin glycosyltransferase 1; minus strand). Cytogenetic location: 8q24.11.
Variant type: single nucleotide variant.
Coding change: c.1028G>A on transcript NM_000127.3 (MANE Select); coding-DNA position 1028, G replaced by A.
Protein change: p.Gly343Glu; replaces glycine 343 with glutamic acid.
Molecular consequence: missense variant.
Genome position (GRCh38, 1-based): chr8:117,837,136, C>T on the plus strand (G>A on the coding strand, the complement: EXT1 is on the minus strand). VCF-style: chr8-117837136-C-T. GRCh37 (hg19) VCF-style: chr8-118849375-C-T.
Other names: short protein forms G343E.
Identifiers: ClinVar variation 1494740 (VCV001494740.6), dbSNP rs1206600641, ClinGen allele CA371893271.
Genomic context (GRCh38, chr8:117,837,136, plus strand): 5'-CCCTATTCTGGGAAGGCTCCAGGGCCTCTTACCTGCAAAGCCTCCAGGAATCTGAAGGAC[C>T]CAAGCCTGCGACCACGAGGAACCAGACAGAAAGTGGCATTGTGCAGCATTTCCCGATAAT-3'
Protein context (NP_000118.2, residues 333-353): FCLVPRGRRL[Gly343Glu]SFRFLEALQA